The following is an entry in ClinVar:

NM_004429.5(EFNB1):c.253C>T (p.Gln85Ter)

Gene: EFNB1 (ephrin B1; plus strand). Cytogenetic location: Xq13.1.
Variant type: single nucleotide variant.
Coding change: c.253C>T on transcript NM_004429.5 (MANE Select); coding-DNA position 253, C replaced by T.
Protein change: p.Gln85Ter; replaces glutamine 85 with a stop codon.
Molecular consequence: nonsense.
Genome position (GRCh38, 1-based): chrX:68,838,741, C>T. VCF-style: chrX-68838741-C-T. GRCh37 (hg19) VCF-style: chrX-68058584-C-T.
Other names: short protein forms Q85*.
Identifiers: ClinVar variation 812706 (VCV000812706.7), dbSNP rs2080468871, ClinGen allele CA413437522.

ClinVar aggregate classification (germline): Pathogenic. Review status: criteria provided, multiple submitters, no conflicts (2 of 4 stars). 4 submissions from 4 submitters: Pathogenic (4). Last evaluated 2025-03-27.

Conditions:
Craniofrontonasal syndrome (CFNS). Also called: CRANIOFRONTONASAL DYSOSTOSIS. Identifiers: Orphanet 1520, MedGen C0220767, MONDO:0010570, OMIM 304110.

Submissions (4):

3billion
Classification: Pathogenic for Craniofrontonasal syndrome. Last evaluated: 2025-03-27. Review status: criteria provided, single submitter. Criteria: ACMG Guidelines, 2015. Collection method: clinical testing. Allele origin: germline. Affected: yes.
Comment: The variant is not observed in the gnomAD v4.1.0 dataset. Predicted Consequence/Location: Stop-gained (nonsense): predicted to result in a loss or disruption of normal protein function through nonsense-mediated decay (NMD) or protein truncation. Multiple pathogenic variants are reported downstream of the variant. The variant has been reported at least twice as pathogenic without evidence for the classification (ClinVar ID: VCV000812706 / PMID: 32240825).Therefore, this variant is classified as Pathogenic according to the recommendation of ACMG/AMP guideline.

Dasa
Classification: Pathogenic. Last evaluated: 2024-05-12. Review status: criteria provided, single submitter. Criteria: DASA Assertion Criteria. Collection method: clinical testing. Allele origin: germline.
Comment: NM_004429.5(EFNB1):c.253C>T (p.Gln85*) introduces a premature termination codon predicted to result in loss of normal protein function. Loss-of-function is an established mechanism of disease for this gene. This variant has been reported in individuals with related phenotype (PMID: 32240825). Based on the available data, this variant is classified as pathogenic.

Labcorp Genetics (formerly Invitae), Labcorp
Classification: Pathogenic. Last evaluated: 2023-06-14. Review status: criteria provided, single submitter. Criteria: Invitae Variant Classification Sherloc (09022015). Collection method: clinical testing. Allele origin: germline.
Comment: For these reasons, this variant has been classified as Pathogenic. ClinVar contains an entry for this variant (Variation ID: 812706). This premature translational stop signal has been observed in individual(s) with craniofrontonasal syndrome (PMID: 32240825). This variant is not present in population databases (gnomAD no frequency). This sequence change creates a premature translational stop signal (p.Gln85*) in the EFNB1 gene. It is expected to result in an absent or disrupted protein product. Loss-of-function variants in EFNB1 are known to be pathogenic (PMID: 15959873, 16685650).

Center of Excellence in Precision Medicine and Digital Health (CEPMDH), Faculty of Dentistry, Chulalongkorn University
Classification: Pathogenic for Craniofrontonasal syndrome. Last evaluated: 2020-01-08. Review status: criteria provided, single submitter. Criteria: ACMG Guidelines, 2015. Collection method: research. Allele origin: de novo. Inheritance: X-linked dominant inheritance. Affected: yes. Observed: 1 variant allele, 1 hemizygote.
Comment: According to the ACMG Standards and Guidelines (Richards et al., 2015), the c.253C>T (p.Gln85Ter) was considered as a pathogenic variant (PVS1, PS2, and PM2).

Literature cited by the submitters: PubMed 32240825 (cited by 3 submitters); PubMed 15959873 (cited by Labcorp Genetics (formerly Invitae), Labcorp); PubMed 16685650 (cited by Labcorp Genetics (formerly Invitae), Labcorp).